The following is an entry in ClinVar:

NM_000069.3(CACNA1S):c.1348G>T (p.Ala450Ser)

Gene: CACNA1S (calcium voltage-gated channel subunit alpha1 S; minus strand). Cytogenetic location: 1q32.1.
Variant type: single nucleotide variant.
Coding change: c.1348G>T on transcript NM_000069.3 (MANE Select); coding-DNA position 1348, G replaced by T.
Protein change: p.Ala450Ser; replaces alanine 450 with serine.
Molecular consequence: missense variant.
Genome position (GRCh38, 1-based): chr1:201,083,207, C>A on the plus strand (G>T on the coding strand, the complement: CACNA1S is on the minus strand). VCF-style: chr1-201083207-C-A. GRCh37 (hg19) VCF-style: chr1-201052335-C-A.
Other names: short protein forms A450S.
Identifiers: ClinVar variation 3386385 (VCV003386385.1).

ClinVar aggregate classification (germline): Uncertain significance (1 of 4 stars; one submission).

Conditions:
Malignant hyperthermia, susceptibility to, 5 (MHS5). Also called: CACNA1S-Related Malignant Hyperthermia Susceptibility. Identifiers: Orphanet 423, MedGen C1866077, MONDO:0011163, OMIM 601887.

gnomAD v4.1: 1 of 1,614,112 alleles (0.000062%); highest among the groups gnomAD compares: Non-Finnish European, 0.000085%; no homozygotes.

Submission:

All of Us Research Program, National Institutes of Health
Classification: Uncertain significance for Malignant hyperthermia, susceptibility to, 5. Last evaluated: 2024-04-16. Review status: criteria provided, single submitter. Criteria: ACMG Guidelines, 2015. Collection method: clinical testing. Allele origin: germline. Inheritance: Autosomal dominant inheritance. Observed: 1 variant allele, 1 heterozygote.
Comment: This missense variant replaces alanine with serine at codon 450 of the CACNA1S protein. Computational prediction is inconclusive regarding the impact of this variant on protein structure and function (internally defined REVEL score threshold 0.5 < inconclusive < 0.7, PMID: 27666373). To our knowledge, functional studies have not been reported for this variant. This variant has not been reported in individuals affected with CACNA1S-related disorders in the literature. This variant has been identified in 1/251428 chromosomes in the general population by the Genome Aggregation Database (gnomAD). The available evidence is insufficient to determine the role of this variant in disease conclusively. Therefore, this variant is classified as a Variant of Uncertain Significance.

This study involves interpretation of variants in research participants for the purpose of population health screening. Participant phenotype was not available at the time of variant classification. Additional details can be found in publication PMID: 35346344, PMCID: PMC8962531